The following is an entry in ClinVar:

NM_152296.5(ATP1A3):c.977T>C (p.Leu326Pro)

Gene: ATP1A3 (ATPase Na+/K+ transporting subunit alpha 3; minus strand). Cytogenetic location: 19q13.2.
Variant type: single nucleotide variant.
Coding change: c.977T>C on transcript NM_152296.5 (MANE Select); coding-DNA position 977, T replaced by C.
Protein change: p.Leu326Pro; replaces leucine 326 with proline.
Molecular consequence: missense variant.
Genome position (GRCh38, 1-based): chr19:41,984,934, A>G on the plus strand (T>C on the coding strand, the complement: ATP1A3 is on the minus strand). VCF-style: chr19-41984934-A-G. GRCh37 (hg19) VCF-style: chr19-42489086-A-G.
Other names: c.1010T>C, p.Leu337Pro (NM_001256213.2); c.1016T>C, p.Leu339Pro (NM_001256214.2); short protein forms L326P, L337P, L339P.
Identifiers: ClinVar variation 2815230 (VCV002815230.3), dbSNP rs1131691307, ClinGen allele CA406052131.
Genomic context (GRCh38, chr19:41,984,934, plus strand): 5'-GACCCCCAGGCCCTCCCCACCCAGACCCAGGAGCCTGGCCTTACAGTGACAGTGGCCAGC[A>G]GACCCTCTGGGACATTGGCCACGATGATGCCGATGAGGAAGATGACAGCCTCAAGCCAGG-3'
Protein context (NP_689509.1, residues 316-336): GIIVANVPEG[Leu326Pro]LATVTVCLTL

ClinVar aggregate classification (germline): Likely pathogenic (1 of 4 stars; one submission).

Conditions:
Dystonia 12 (DYT12). Also called: DYT-ATP1A3; Rapid-Onset Dystonia-Parkinsonism (RDP). Identifiers: Orphanet 71517, MedGen C1868681, MONDO:0007496, OMIM 128235.

Submission:

Labcorp Genetics (formerly Invitae), Labcorp
Classification: Likely pathogenic for Dystonia 12. Last evaluated: 2022-11-19. Review status: criteria provided, single submitter. Criteria: Invitae Variant Classification Sherloc (09022015). Collection method: clinical testing. Allele origin: germline.
Comment: This variant disrupts the p.Leu326 amino acid residue in ATP1A3. Other variant(s) that disrupt this residue have been determined to be pathogenic (PMID: 26297560, 26410222; Invitae). This suggests that this residue is clinically significant, and that variants that disrupt this residue are likely to be disease-causing. In summary, the currently available evidence indicates that the variant is pathogenic, but additional data are needed to prove that conclusively. Therefore, this variant has been classified as Likely Pathogenic. Advanced modeling of protein sequence and biophysical properties (such as structural, functional, and spatial information, amino acid conservation, physicochemical variation, residue mobility, and thermodynamic stability) performed at Invitae indicates that this missense variant is expected to disrupt ATP1A3 protein function. This variant has not been reported in the literature in individuals affected with ATP1A3-related conditions. This variant is not present in population databases (gnomAD no frequency). This sequence change replaces leucine, which is neutral and non-polar, with proline, which is neutral and non-polar, at codon 326 of the ATP1A3 protein (p.Leu326Pro).

Literature cited by the submitters: PubMed 26297560; PubMed 26410222.